The following is an entry in ClinVar:

ClinVar aggregate classification (germline): Uncertain significance (1 of 4 stars; one submission).

Conditions:
Biotin-responsive basal ganglia disease (BTBGD). Also called: thiamine-responsive encephalopathy; THIAMINE METABOLISM DYSFUNCTION SYNDROME 2 (BIOTIN- AND THIAMINE-RESPONSIVE TYPE); Thiamine Transporter-2 Deficiency; Thiamine metabolism dysfunction syndrome 2 (biotin- or thiamine-responsive encephalopathy type 2); Thiamine metabolism dysfunction syndrome type 2. Identifiers: Orphanet 199348, Orphanet 65284, MedGen C1843807, MONDO:0011841, OMIM 607483.

Allele frequency attached by ClinVar (database versions not stated): gnomAD exomes below 0.00001; ExAC 0.00001.
gnomAD v4.1: 6 of 1,614,052 alleles (0.00037%); highest among the groups gnomAD compares: Admixed American, 0.0017%; no homozygotes.

Submission:

Labcorp Genetics (formerly Invitae), Labcorp
Classification: Uncertain significance for Biotin-responsive basal ganglia disease. Last evaluated: 2022-04-16. Review status: criteria provided, single submitter. Criteria: Invitae Variant Classification Sherloc (09022015). Collection method: clinical testing. Allele origin: germline.
Comment: This sequence change replaces methionine, which is neutral and non-polar, with isoleucine, which is neutral and non-polar, at codon 455 of the SLC19A3 protein (p.Met455Ile). This variant is present in population databases (rs762173287, gnomAD 0.0009%). This variant has not been reported in the literature in individuals affected with SLC19A3-related conditions. ClinVar contains an entry for this variant (Variation ID: 857675). Advanced modeling of protein sequence and biophysical properties (such as structural, functional, and spatial information, amino acid conservation, physicochemical variation, residue mobility, and thermodynamic stability) performed at Invitae indicates that this missense variant is not expected to disrupt SLC19A3 protein function. In summary, the available evidence is currently insufficient to determine the role of this variant in disease. Therefore, it has been classified as a Variant of Uncertain Significance.

NM_025243.4(SLC19A3):c.1365G>A (p.Met455Ile)

Gene: SLC19A3 (solute carrier family 19 member 3; minus strand). Cytogenetic location: 2q36.3.
Variant type: single nucleotide variant.
Coding change: c.1365G>A on transcript NM_025243.4 (MANE Select); coding-DNA position 1365, G replaced by A.
Protein change: p.Met455Ile; replaces methionine 455 with isoleucine.
Molecular consequence: missense variant.
Genome position (GRCh38, 1-based): chr2:227,687,523, C>T on the plus strand (G>A on the coding strand, the complement: SLC19A3 is on the minus strand). VCF-style: chr2-227687523-C-T. GRCh37 (hg19) VCF-style: chr2-228552239-C-T.
Other names: c.1365G>A, p.Met455Ile (NM_001371411.1, NM_001371412.1); c.1353G>A, p.Met451Ile (NM_001371413.1, NM_001371414.1); short protein forms M451I, M455I.
Identifiers: ClinVar variation 857675 (VCV000857675.7), dbSNP rs762173287, ClinGen allele CA2149088.